The following is an entry in ClinVar:

NM_001330588.2(TPP2):c.1658C>T (p.Pro553Leu)

Gene: TPP2 (tripeptidyl peptidase 2; plus strand). Cytogenetic location: 13q33.1.
Variant type: single nucleotide variant.
Coding change: c.1658C>T on transcript NM_001330588.2 (MANE Select); coding-DNA position 1658, C replaced by T.
Protein change: p.Pro553Leu; replaces proline 553 with leucine.
Molecular consequence: missense variant. On other transcripts: non-coding transcript variant (1).
Genome position (GRCh38, 1-based): chr13:102,636,372, C>T. VCF-style: chr13-102636372-C-T. GRCh37 (hg19) VCF-style: chr13-103288722-C-T.
Other names: c.1658C>T, p.Pro553Leu (LRG_1341t1, NM_001367947.1, NM_003291.4); short protein forms P553L.
Identifiers: ClinVar variation 544307 (VCV000544307.1), dbSNP rs1555301298, ClinGen allele CA388488094.

ClinVar aggregate classification (germline): Uncertain significance (1 of 4 stars; one submission).

Conditions:
Evans syndrome, immunodeficiency, and premature immunosenescence associated with tripeptidyl-peptidase II deficiency. Identifiers: MedGen CN231723. Disease mechanism: loss of function.

Allele frequency attached by ClinVar (database versions not stated): gnomAD exomes below 0.00001.
gnomAD v4.1: 2 of 1,612,858 alleles (0.00012%); highest among the groups gnomAD compares: Non-Finnish European, 0.00017%; no homozygotes.

Submission:

Labcorp Genetics (formerly Invitae), Labcorp
Classification: Uncertain significance for Evans syndrome, immunodeficiency, and premature immunosenescence associated with tripeptidyl-peptidase II deficiency. Last evaluated: 2017-11-19. Review status: criteria provided, single submitter. Criteria: Invitae Variant Classification Sherloc (09022015). Collection method: clinical testing. Allele origin: germline.
Comment: This sequence change replaces proline with leucine at codon 553 of the TPP2 protein (p.Pro553Leu). The proline residue is highly conserved and there is a moderate physicochemical difference between proline and leucine. This variant is not present in population databases (ExAC no frequency). This variant has not been reported in the literature in individuals with TPP2-related disease. Algorithms developed to predict the effect of missense changes on protein structure and function (SIFT, PolyPhen-2, Align-GVGD) all suggest that this variant is likely to be disruptive, but these predictions have not been confirmed by published functional studies and their clinical significance is uncertain. In summary, the available evidence is currently insufficient to determine the role of this variant in disease. Therefore, it has been classified as a Variant of Uncertain Significance.